The following is an entry in ClinVar:

NM_001142800.2(EYS):c.5819A>G (p.Glu1940Gly)

Gene: EYS (eyes shut homolog; minus strand). Cytogenetic location: 6q12.
Variant type: single nucleotide variant.
Coding change: c.5819A>G on transcript NM_001142800.2 (MANE Select); coding-DNA position 5819, A replaced by G.
Protein change: p.Glu1940Gly; replaces glutamic acid 1940 with glycine.
Molecular consequence: missense variant.
Genome position (GRCh38, 1-based): chr6:64,439,178, T>C on the plus strand (A>G on the coding strand, the complement: EYS is on the minus strand). VCF-style: chr6-64439178-T-C. GRCh37 (hg19) VCF-style: chr6-65149071-T-C.
Other names: c.5819A>G, p.Glu1940Gly (NM_001292009.2); short protein forms E1940G.
Identifiers: ClinVar variation 1360210 (VCV001360210.5), dbSNP rs913037643, ClinGen allele CA140322069.

ClinVar aggregate classification (germline): Uncertain significance (1 of 4 stars; one submission).

Allele frequency attached by ClinVar (database versions not stated): gnomAD 0.00001; TOPMed below 0.00001.

Submission:

Labcorp Genetics (formerly Invitae), Labcorp
Classification: Uncertain significance. Last evaluated: 2021-09-17. Review status: criteria provided, single submitter. Criteria: Invitae Variant Classification Sherloc (09022015). Collection method: clinical testing. Allele origin: germline.
Comment: This sequence change replaces glutamic acid with glycine at codon 1940 of the EYS protein (p.Glu1940Gly). The glutamic acid residue is weakly conserved and there is a moderate physicochemical difference between glutamic acid and glycine. This variant is not present in population databases (ExAC no frequency). This variant has not been reported in the literature in individuals with EYS-related conditions. Algorithms developed to predict the effect of missense changes on protein structure and function (SIFT, PolyPhen-2, Align-GVGD) all suggest that this variant is likely to be tolerated, but these predictions have not been confirmed by published functional studies and their clinical significance is uncertain. In summary, the available evidence is currently insufficient to determine the role of this variant in disease. Therefore, it has been classified as a Variant of Uncertain Significance.